The following is an entry in ClinVar:

ClinVar aggregate classification (germline): Uncertain significance (1 of 4 stars; one submission).

Conditions:
Neurodevelopmental disorder with or without anomalies of the brain, eye, or heart (NEDBEH). Identifiers: Orphanet 494344, MedGen C5567477, MONDO:0014857, OMIM 616975.

Allele frequency attached by ClinVar (database versions not stated): TOPMed below 0.00001.

Submission:

New York Genome Center
Classification: Uncertain significance for Neurodevelopmental disorder with or without anomalies of the brain, eye, or heart. Last evaluated: 2020-06-19. Review status: criteria provided, single submitter. Criteria: NYGC Assertion Criteria 2020. Collection method: clinical testing. Allele origin: inherited. Observed: 1 heterozygote. Study: CSER-NYCKidSeq.
Comment: The inherited c.1190C>T (p.Thr397Ile) variant identified in the RERE gene substitutes a well conserved Threonine for Isoleucine at amino acid 397/1567 (exon 11/23). This variant is absent from gnomAD(v3.0) suggesting it is not a common benign variant in the populations represented in that database. In silico algorithms predict this variant to be Deleterious (Provean; score:-4.38) and Damaging (SIFT; score:0.001) to the function of the canonical transcript. This variant is absent from ClinVar and to our current knowledge has not been reported in affected individuals in the literature. The p.Thr397 residue is within the SANT domain of RERE (UniProtKB: Q9P2R6). Given the lack of compelling evidence for its pathogenicity, the inherited c.1190C>T (p.Thr397Ile) variant identified in the RERE gene is reported as a Variant of Uncertain Significance.

NM_001042681.2(RERE):c.1190C>T (p.Thr397Ile)

Gene: RERE (arginine-glutamic acid dipeptide repeats; minus strand). Cytogenetic location: 1p36.23.
Variant type: single nucleotide variant.
Coding change: c.1190C>T on transcript NM_001042681.2 (MANE Select); coding-DNA position 1190, C replaced by T.
Protein change: p.Thr397Ile; replaces threonine 397 with isoleucine.
Molecular consequence: missense variant.
Genome position (GRCh38, 1-based): chr1:8,465,938, G>A on the plus strand (C>T on the coding strand, the complement: RERE is on the minus strand). VCF-style: chr1-8465938-G-A. GRCh37 (hg19) VCF-style: chr1-8525998-G-A.
Other names: c.1190C>T, p.Thr397Ile (NM_012102.4); short protein forms T397I.
Identifiers: ClinVar variation 1184385 (VCV001184385.1), dbSNP rs1557644694, ClinGen allele CA338222355.